The following is an entry in ClinVar:

ClinVar aggregate classification (germline): Uncertain significance (1 of 4 stars; one submission).

Submission:

ISCA site 4
Classification: Uncertain significance. Last evaluated: 2011-08-12. Review status: criteria provided, single submitter. Criteria: Kaminsky et al. (Genet Med. 2011). Collection method: clinical testing. Allele origin: unknown. Affected: yes. Observed: 1 variant allele.
Comment: Copy number variation identified through the course of routine clinical cytogenomic testing in postnatal populations. Clinical assertions have been curated as described in Kaminsky et al. 2011.

GRCh38/hg38 Xq27.1-27.2(chrX:141160282-142463521)x2

Genes: LDOC1 (LDOC1 regulator of NFKB signaling; minus strand), MAGEC1 (MAGE family member C1; plus strand), MAGEC2 (MAGE family member C2; minus strand), MAGEC3 (MAGE family member C3; plus strand), SPANXA1 (sperm protein associated with the nucleus, X-linked, family member A1; minus strand) and 9 more. Cytogenetic location: Xq27.1-27.2.
Variant type: copy number gain.
Change: copy number 2 of chrX:141,160,282-142,463,521 (1.30 Mb, GRCh38 coordinates, 1-based), cytogenetic band Xq27.1-27.2.
Identifiers: ClinVar variation 60391 (VCV000060391.1).